The following is an entry in ClinVar:

ClinVar aggregate classification (germline): Uncertain significance (1 of 4 stars; one submission).

gnomAD v4.1: 5 of 1,578,872 alleles (0.00032%); highest among the groups gnomAD compares: African/African-American, 0.0014%; no homozygotes.

Submission:

Labcorp Genetics (formerly Invitae), Labcorp
Classification: Uncertain significance. Last evaluated: 2025-02-27. Review status: criteria provided, single submitter. Criteria: Invitae Variant Classification Sherloc (09022015). Collection method: clinical testing. Allele origin: germline.
Comment: This sequence change replaces valine, which is neutral and non-polar, with leucine, which is neutral and non-polar, at codon 301 of the RIPK1 protein (p.Val301Leu). This variant is present in population databases (no rsID available, gnomAD 0.01%). This variant has not been reported in the literature in individuals affected with RIPK1-related conditions. ClinVar contains an entry for this variant (Variation ID: 2181974). An algorithm developed to predict the effect of missense changes on protein structure and function (PolyPhen-2) suggests that this variant is likely to be tolerated. In summary, the available evidence is currently insufficient to determine the role of this variant in disease. Therefore, it has been classified as a Variant of Uncertain Significance.

NM_001354930.2(RIPK1):c.901G>T (p.Val301Leu)

Gene: RIPK1 (receptor interacting serine/threonine kinase 1; plus strand). Cytogenetic location: 6p25.2.
Variant type: single nucleotide variant.
Coding change: c.901G>T on transcript NM_001354930.2 (MANE Select); coding-DNA position 901, G replaced by T.
Protein change: p.Val301Leu; replaces valine 301 with leucine.
Molecular consequence: missense variant.
Genome position (GRCh38, 1-based): chr6:3,089,643, G>T. VCF-style: chr6-3089643-G-T. GRCh37 (hg19) VCF-style: chr6-3089877-G-T.
Other names: c.412G>T, p.Val138Leu (NM_001317061.3, NM_001354932.2, NM_001354933.2 and 1 more transcripts); c.763G>T, p.Val255Leu (NM_001354931.2); c.901G>T, p.Val301Leu (NM_003804.6); short protein forms V301L, V138L, V255L.
Identifiers: ClinVar variation 2181974 (VCV002181974.4), dbSNP rs558445528, ClinGen allele CA362583290.